The following is an entry in ClinVar:

NM_025114.4(CEP290):c.4655AAG[2] (p.Glu1554del)

Gene: CEP290 (centrosomal protein 290; minus strand). Cytogenetic location: 12q21.32.
Variant type: Microsatellite.
Coding change: c.4655AAG[2] on transcript NM_025114.4 (MANE Select); two copies in a row of the 3-base unit AAG starting at c.4655; the reference has three copies in a row; one copy, 3 bases deleted; also written c.4661_4663del.
Protein change: p.Glu1554del; deletes glutamic acid 1554.
Molecular consequence: inframe deletion.
Genome position (GRCh38, 1-based): chr12:88,084,627-88,084,629, CTT deleted on the plus strand (AAG on the coding strand, the reverse complement: CEP290 is on the minus strand); deleting any 3 consecutive bases within chr12:88,084,627-88,084,635 gives the same sequence; the position shown is the placement nearest the transcript's 3' end. VCF-style (leftmost placement, unchanged base first): chr12-88084626-ACTT-A. GRCh37 (hg19) VCF-style: chr12-88478403-ACTT-A.
Other names: NC_000012.11:g.88478410_88478412del; NP_079390.3:p.(Glu1554del); NM_025114.4(CEP290):c.4655AAG[2]; p.Glu1554del; c.4661_4663del (NM_025114.4); c.4661_4663delAAG (NM_025114.3); short protein forms E1554del.
Identifiers: ClinVar variation 953502 (VCV000953502.28), dbSNP rs757309583, ClinGen allele CA6711895.

ClinVar aggregate classification (germline): Pathogenic. Review status: reviewed by expert panel (3 of 4 stars). 16 submissions from 16 submitters: Pathogenic (1). 15 of the submissions do not count toward it. Last evaluated 2026-07-20.

Conditions:
CEP290-related ciliopathy. Also called: CEP290 ciliopathy. Identifiers: MedGen CN305601, MONDO:0100451.
Inborn genetic diseases. Identifiers: MedGen C0950123, MeSH D030342.
Leber congenital amaurosis (LCA). Also called: Leber's amaurosis. Identifiers: Orphanet 65, MedGen C0339527, MeSH D057130, MONDO:0018998.
Joubert syndrome. Also called: JOUBERT-BOLTSHAUSER SYNDROME; Familial aplasia of the vermis. Identifiers: Orphanet 475, MedGen C5979921, MONDO:0018772.
Nephronophthisis. Also called: Juvenile Nephronophthisis. Identifiers: Orphanet 655, MedGen C0687120, MONDO:0019005, HP:0000090.
Meckel-Gruber syndrome. Also called: Dysencephalia splachnocystica; DYSENCEPHALIA SPLANCHNOCYSTICA; GRUBER SYNDROME. Identifiers: Orphanet 564, MedGen C0265215, MONDO:0018921.
Leber congenital amaurosis 10 (LCA10). Identifiers: Orphanet 65, MedGen C1857821, MONDO:0012723, OMIM 611755.
Bardet-Biedl syndrome 14 (BBS14). Identifiers: Orphanet 110, MedGen C2673874, MONDO:0014442, OMIM 615991.
CEP290-related disorder. Also called: CEP290-related condition; CEP290-related disorders. Identifiers: MedGen CN239314.
Retinal dystrophy. Also called: Inherited retinal dystrophy. Identifiers: Orphanet 71862, MedGen C0854723, MeSH D058499, MONDO:0019118, HP:0000556.
Senior-Loken syndrome 6 (SLSN6). Identifiers: Orphanet 3156, MedGen C1857779, MONDO:0012433, OMIM 610189.
Joubert syndrome 5 (JBTS5). Identifiers: Orphanet 2318, MedGen C1857780, MONDO:0012432, OMIM 610188.
Meckel syndrome, type 4 (MKS4). Also called: MECKEL-GRUBER SYNDROME, TYPE 4. Identifiers: Orphanet 564, MedGen C1970161, MONDO:0012626, OMIM 611134.

Submissions 1 to 7 of 16:

ClinGen Leber Congenital Amaurosis/early Onset Retinal Dystrophy Variant Curation Expert Panel, ClinGen
Classification: Pathogenic for CEP290-related ciliopathy. Last evaluated: 2026-07-20. Review status: reviewed by expert panel. Criteria: ClinGen LCAeoRD ACMG Specifications CEP290 V1.0.0. Collection method: curation. Allele origin: germline. Inheritance: Autosomal recessive inheritance.
Comment: NM_025114.4(CEP290):c.4661_4663del (p.Glu1554del) is an in-frame deletion causing a change in the length of the protein by 1 amino acid in a non-repeat region, with at least one of the deleted base pairs highly conserved with a PhyloP conservation score of 7.37 (PM4_Supporting). This variant is present in gnomAD v.4.1.1 at a total allele frequency of 0.00002232, with 36 alleles / 1,612,700 total alleles, which is lower than the ClinGen LCA/eoRD VCEP PM2_Supporting threshold of <0.0006 (PM2_Supporting). This variant has been reported in at least 1 proband with early-onset severe retinal dystrophy who was homozygous for the variant (0.5 points, PMID: 29398085). This variant has also been reported in at least 5 probands with early-onset severe retinal dystrophy who were compound heterozygous with the NM_025114.4(CEP290):c.4024C>T (p.Gln1342Ter) variant or the NM_025114.4(CEP290):c.5850del (p.Phe1950fs) variant suspected in trans (1 point, PMID: 33970760, PMID: 17345604) or with the NM_025114.4(CEP290):c.297+1G>T variant, the NM_025114.4(CEP290):c.3904C>T (p.Gln1302Ter) variant, or the NM_025114.4(CEP290):c.1219_1220del (p.Met407GlufsTer14) variant confirmed in trans (3 points, PMID: 28973549, PMID: 32165824, PMID: 34196655), which were previously classified pathogenic by the ClinGen LCA/eoRD VCEP (4.5 total points, PM3_VeryStrong). At least one proband harboring this variant exhibits a phenotype including diagnosis of Leber congenital amaurosis (0.5 pts), onset before age 5 years (0.5 pts), extinguished electroretinogram responses from rods (0.5 pts) and cones (0.5 pts), central visual acuity limited to light perception (0.5 pts), white mottling in the peripheral pigmentation (0.5 pts), absence of vasculopathy / normal optic disc color, and decreased flash visual evoked potentials, with genotyping by next-generation sequencing identifying no alternative basis for retinal disease (2 pts), which together are specific for CEP290-related ciliopathy (total 5 points, PMID: 33970760, PP4). The variant has been reported to segregate with childhood-onset severe retinal dystrophy through the proband plus 2 similarly affected relatives, with the variant present in the homozygous state (PP1_Moderate; PMID: 29398085). In summary, this variant meets the criteria to be classified as Pathogenic for CEP290-related ciliopathy based on the ACMG/AMP criteria applied, as specified by the ClinGen LCA/eoRD VCEP: PM4_Supporting, PM2_Supporting, PM3_Very-Strong, PP1_Moderate, and PP4. (LCA/eoRD VCEP Specifications for CEP290 Version 1.0.0)

Ambry Genetics
Classification: Pathogenic for Inborn genetic diseases. Last evaluated: 2026-04-08. Review status: criteria provided, single submitter. Criteria: Ambry Variant Classification Scheme 2023. Collection method: clinical testing. Allele origin: germline. Not counted in ClinVar's aggregate classification.
Comment: The c.4661_4663delAAG (p.E1554del) variant, located in exon 35 (coding exon 34) of the CEP290 gene, results from an in-frame deletion of 3 nucleotides at positions c.4661 to c.4663. This results in the deletion of a glutamate (E) at codon 1554. Based on data from gnomAD, the c.4661_4663delAAG (p.E1554del) variant has an overall frequency of 0.003% (7/280272) total alleles studied. The highest observed frequency was 0.01% (2/19528) of East Asian alleles. This variant has been identified in the homozygous state and/or in conjunction with other CEP290 variant(s) in individual(s) with features consistent with CEP290-related ciliopathy; in at least one instance, the variants were identified in trans (Lin, 2024; Areblom, 2023; Weisschuh, 2023; Testa, 2021; Srivastava, 2017; Perrault, 2007). This amino acid position is well conserved in available vertebrate species. This variant is predicted to be deleterious by in silico analysis (Choi, 2012). Based on the available evidence, this alteration is classified as pathogenic.

Natera, Inc.
Classification: Pathogenic for Leber congenital amaurosis. Last evaluated: 2025-10-09. Review status: criteria provided, single submitter. Criteria: Natera Variant Classification Schema (03/2026). Collection method: clinical testing. Allele origin: germline. Not counted in ClinVar's aggregate classification.
Comment: The c.4661_4663delAAG variant in CEP290 is an in-frame deletion predicted to remove glutamic acid at amino acid 1554 while preserving the reading frame. This variant is rare in the general population with a frequency below the threshold expected for the associated phenotype(s). This variant has been observed in one or more individuals affected with the associated recessive disease, as either homozygous or compound heterozygous with a second variant (PMID: 26047050, 27422788, 33970760). This variant has been observed to segregate in affected family members (PMID: 29398085). This variant results in a change to the protein length while preserving reading frame, which may disrupt normal protein structure or function. Computational prediction algorithms indicate this variant is likely to affect gene or protein function. Given the available evidence, this variant is classified as Pathogenic.

3billion
Classification: Likely pathogenic for Leber congenital amaurosis 10. Last evaluated: 2025-08-25. Review status: criteria provided, single submitter. Criteria: ACMG Guidelines, 2015. Collection method: clinical testing. Allele origin: germline. Affected: yes. Not counted in ClinVar's aggregate classification.
Comment: The variant is observed at an extremely low frequency in the gnomAD v4.1.0 dataset (total allele frequency: 0.002%). Predicted Consequence/Location: Inframe deletion located in a nonrepeat region: predicted to change the length of the protein and disrupt normal protein function. The variant has been reported at least twice as pathogenic with clinical assertions and evidence for the classification (ClinVar ID: VCV000953502 /PMID: 17345604). Therefore, this variant is classified as Likely pathogenic according to the recommendation of ACMG/AMP guideline.

Ophthalmic Genetics Group, Institute of Molecular and Clinical Ophthalmology Basel
Classification: Likely pathogenic for Retinal dystrophy. Last evaluated: 2024-05-27. Review status: criteria provided, single submitter. Criteria: ACMG Guidelines, 2015. Collection method: research. Allele origin: germline. Affected: yes. Observed: 2 variant alleles. Not counted in ClinVar's aggregate classification.
Comment: This variant was classified as Likely pathogenic based on ACMG criteria: PM2_sup, PM4_sup and PP5_sup

Baylor Genetics
Classification: Pathogenic for Bardet-Biedl syndrome 14. Last evaluated: 2024-03-27. Review status: criteria provided, single submitter. Criteria: ACMG Guidelines, 2015. Collection method: clinical testing. Allele origin: unknown. Not counted in ClinVar's aggregate classification.

Labcorp Genetics (formerly Invitae), Labcorp
Classification: Pathogenic for Joubert syndrome; Meckel-Gruber syndrome; Nephronophthisis. Last evaluated: 2024-02-17. Review status: criteria provided, single submitter. Criteria: Invitae Variant Classification Sherloc (09022015). Collection method: clinical testing. Allele origin: germline. Not counted in ClinVar's aggregate classification.
Comment: This variant, c.4661_4663del, results in the deletion of 1 amino acid(s) of the CEP290 protein (p.Glu1554del), but otherwise preserves the integrity of the reading frame. This variant is present in population databases (rs757309583, gnomAD 0.01%). This variant has been observed in individual(s) with Leber congenital amaurosis (LCA) (PMID: 17345604, 28973549, 29398085). In at least one individual the data is consistent with being in trans (on the opposite chromosome) from a pathogenic variant. It has also been observed to segregate with disease in related individuals. ClinVar contains an entry for this variant (Variation ID: 953502). For these reasons, this variant has been classified as Pathogenic.